The following is an entry in ClinVar:

NM_032119.4(ADGRV1):c.13560C>T (p.Leu4520=)

Gene: ADGRV1 (adhesion G protein-coupled receptor V1; plus strand). Cytogenetic location: 5q14.3.
Variant type: single nucleotide variant.
Coding change: c.13560C>T on transcript NM_032119.4 (MANE Select); coding-DNA position 13560, C replaced by T.
Protein change: p.Leu4520=; no amino-acid change (leucine 4520 retained).
Molecular consequence: synonymous variant. On other transcripts: non-coding transcript variant (1).
Genome position (GRCh38, 1-based): chr5:90,783,964, C>T. VCF-style: chr5-90783964-C-T. GRCh37 (hg19) VCF-style: chr5-90079781-C-T.
Other names: c.13560C>T (NM_032119.3).
Identifiers: ClinVar variation 1111350 (VCV001111350.12), dbSNP rs778145129, ClinGen allele CA445415318.
Genomic context (GRCh38, chr5:90,783,964, plus strand): 5'-CCTAGTGAGCAGAATCATAATAGCTAAGAGTGACTCTCCCTTTGGAGTTATAAGGTTTCT[C>T]AATCAAAGCAAAATTTCTATTGCTAATCCCAATTCCACAATGATTTTATCACTGGTGCTG-3'
Protein context (NP_115495.3, residues 4510-4530): SDSPFGVIRF[Leu4520=]NQSKISIANP

ClinVar aggregate classification (germline): Likely benign. Review status: criteria provided, multiple submitters, no conflicts (2 of 4 stars). 3 submissions from 3 submitters: Likely benign (3). Last evaluated 2025-03-09.

Conditions:
ADGRV1-related disorder. Also called: ADGRV1-related condition; ADGRV1-related disorders.

Allele frequency attached by ClinVar (database versions not stated): gnomAD 0.00001; TOPMed 0.00001.
gnomAD v4.1: 40 of 1,612,132 alleles (0.0025%); highest among the groups gnomAD compares: Non-Finnish European, 0.0032%; no homozygotes.

Submissions (3):

PreventionGenetics, part of Exact Sciences
Classification: Likely benign for ADGRV1-related condition. Last evaluated: 2025-03-09. Review status: criteria provided, single submitter. Criteria: ACMG Guidelines, 2015. Collection method: clinical testing. Allele origin: germline.
Comment: This variant is classified as likely benign based on ACMG/AMP sequence variant interpretation guidelines (Richards et al. 2015 PMID: 25741868, with internal and published modifications).

Labcorp Genetics (formerly Invitae), Labcorp
Classification: Likely benign. Last evaluated: 2023-10-19. Review status: criteria provided, single submitter. Criteria: Invitae Variant Classification Sherloc (09022015). Collection method: clinical testing. Allele origin: germline.

Blueprint Genetics
Classification: Likely benign. Last evaluated: 2020-12-31. Review status: criteria provided, single submitter. Criteria: ACMG Guidelines, 2015. Collection method: clinical testing. Allele origin: germline.